The following is an entry in ClinVar:

NM_001283009.2(RTEL1):c.3014A>T (p.Lys1005Met)

Genes: RTEL1 (regulator of telomere elongation helicase 1; plus strand), RTEL1-TNFRSF6B (RTEL1-TNFRSF6B readthrough (NMD candidate); plus strand). Cytogenetic location: 20q13.33.
Variant type: single nucleotide variant.
Coding change: c.3014A>T on transcript NM_001283009.2 (MANE Select); coding-DNA position 3014, A replaced by T.
Protein change: p.Lys1005Met; replaces lysine 1005 with methionine.
Molecular consequence: missense variant. On other transcripts: non-coding transcript variant (1).
Genome position (GRCh38, 1-based): chr20:63,694,393, A>T. VCF-style: chr20-63694393-A-T. GRCh37 (hg19) VCF-style: chr20-62325746-A-T.
Other names: c.2345A>T, p.Lys782Met (NM_001283010.1); c.3014A>T, p.Lys1005Met (NM_016434.4); c.3086A>T, p.Lys1029Met (NM_032957.5); short protein forms K1005M, K1029M, K782M.
Identifiers: ClinVar variation 3749551 (VCV003749551.3).

ClinVar aggregate classification (germline): Uncertain significance. Review status: criteria provided, multiple submitters, no conflicts (2 of 4 stars). 2 submissions from 2 submitters: Uncertain significance (2). Last evaluated 2025-10-27.

Conditions:
Inborn genetic diseases. Identifiers: MedGen C0950123, MeSH D030342.
Pulmonary fibrosis and/or bone marrow failure, Telomere-related, 3. Also called: PULMONARY FIBROSIS AND/OR BONE MARROW FAILURE SYNDROME, TELOMERE-RELATED, 3. Identifiers: Orphanet 2032, MedGen C4225346, MONDO:0014613, OMIM 616373.
Dyskeratosis congenita, autosomal recessive 5 (DKCB5). Identifiers: MedGen C3554656, MONDO:0014076, OMIM 615190.

gnomAD v4.1: 2 of 1,612,274 alleles (0.00012%); highest among the groups gnomAD compares: East Asian, 0.0045%; no homozygotes.

Submissions (2):

Ambry Genetics
Classification: Uncertain significance for Inborn genetic diseases. Last evaluated: 2025-10-27. Review status: criteria provided, single submitter. Criteria: Ambry Variant Classification Scheme 2023. Collection method: clinical testing. Allele origin: germline.
Comment: The p.K1005M variant (also known as c.3014A>T), located in coding exon 30 of the RTEL1 gene, results from an A to T substitution at nucleotide position 3014. The lysine at codon 1005 is replaced by methionine, an amino acid with similar properties. This amino acid position is conserved. In addition, the in silico prediction for this alteration is inconclusive. Based on the available evidence, the clinical significance of this variant remains unclear.

Labcorp Genetics (formerly Invitae), Labcorp
Classification: Uncertain significance for Dyskeratosis congenita, autosomal recessive 5; Pulmonary fibrosis and/or bone marrow failure, Telomere-related, 3. Last evaluated: 2024-10-16. Review status: criteria provided, single submitter. Criteria: Invitae Variant Classification Sherloc (09022015). Collection method: clinical testing. Allele origin: germline.
Comment: This sequence change replaces lysine, which is basic and polar, with methionine, which is neutral and non-polar, at codon 1005 of the RTEL1 protein (p.Lys1005Met). This variant is present in population databases (rs759192968, gnomAD 0.01%). This variant has not been reported in the literature in individuals affected with RTEL1-related conditions. An algorithm developed to predict the effect of missense changes on protein structure and function (PolyPhen-2) suggests that this variant is likely to be disruptive. In summary, the available evidence is currently insufficient to determine the role of this variant in disease. Therefore, it has been classified as a Variant of Uncertain Significance.